The following is an entry in ClinVar:

ClinVar aggregate classification (germline): Uncertain significance (1 of 4 stars; one submission).

Conditions:
POLD1-related polyposis and colorectal cancer syndrome (CRCS10). Also called: Colorectal cancer 10; COLORECTAL CANCER, SUSCEPTIBILITY TO, ON CHROMOSOME 19q; Colorectal cancer, susceptibility to, 10. Identifiers: Orphanet 220460, MedGen C2675481, MONDO:0012953, OMIM 612591.

gnomAD v4.1: 1 of 1,612,170 alleles (0.000062%); highest among the groups gnomAD compares: South Asian, 0.0011%; no homozygotes.

Submission:

Labcorp Genetics (formerly Invitae), Labcorp
Classification: Uncertain significance for POLD1-related polyposis and colorectal cancer syndrome. Last evaluated: 2024-12-10. Review status: criteria provided, single submitter. Criteria: Invitae Variant Classification Sherloc (09022015). Collection method: clinical testing. Allele origin: germline.
Comment: This sequence change replaces tryptophan, which is neutral and slightly polar, with glycine, which is neutral and non-polar, at codon 781 of the POLD1 protein (p.Trp781Gly). This variant is not present in population databases (gnomAD no frequency). This variant has not been reported in the literature in individuals affected with POLD1-related conditions. Invitae Evidence Modeling of protein sequence and biophysical properties (such as structural, functional, and spatial information, amino acid conservation, physicochemical variation, residue mobility, and thermodynamic stability) indicates that this missense variant is not expected to disrupt POLD1 protein function with a negative predictive value of 80%. In summary, the available evidence is currently insufficient to determine the role of this variant in disease. Therefore, it has been classified as a Variant of Uncertain Significance.

NM_002691.4(POLD1):c.2341T>G (p.Trp781Gly)

Gene: POLD1 (DNA polymerase delta 1, catalytic subunit; plus strand). Cytogenetic location: 19q13.33.
Variant type: single nucleotide variant.
Coding change: c.2341T>G on transcript NM_002691.4 (MANE Select); coding-DNA position 2341, T replaced by G.
Protein change: p.Trp781Gly; replaces tryptophan 781 with glycine.
Molecular consequence: missense variant. On other transcripts: non-coding transcript variant (1).
Genome position (GRCh38, 1-based): chr19:50,413,832, T>G. VCF-style: chr19-50413832-T-G. GRCh37 (hg19) VCF-style: chr19-50917089-T-G.
Other names: c.2341T>G, p.Trp781Gly (NM_001256849.1); c.2419T>G, p.Trp807Gly (NM_001308632.1); short protein forms W807G, W781G.
Identifiers: ClinVar variation 3719624 (VCV003719624.2).